The following is an entry in ClinVar:

NM_003106.4(SOX2):c.849G>A (p.Val283=)

Genes: SOX2-OT (SOX2 overlapping transcript; plus strand), SOX2 (SRY-box transcription factor 2; plus strand). Cytogenetic location: 3q26.33.
Variant type: single nucleotide variant.
Coding change: c.849G>A on transcript NM_003106.4 (MANE Select); coding-DNA position 849, G replaced by A.
Protein change: p.Val283=; no amino-acid change (valine 283 retained).
Molecular consequence: synonymous variant.
Genome position (GRCh38, 1-based): chr3:181,713,209, G>A. VCF-style: chr3-181713209-G-A. GRCh37 (hg19) VCF-style: chr3-181430997-G-A.
Identifiers: ClinVar variation 3688980 (VCV003688980.2).

ClinVar aggregate classification (germline): Uncertain significance (1 of 4 stars; one submission).

Conditions:
Anophthalmia/microphthalmia-esophageal atresia syndrome (MCOPS3). Also called: SOX2 Disorder; MICROPHTHALMIA AND ESOPHAGEAL ATRESIA SYNDROME; AEG SYNDROME. Identifiers: Orphanet 77298, MedGen C1859773, MONDO:0008799, OMIM 206900.

Submission:

Labcorp Genetics (formerly Invitae), Labcorp
Classification: Uncertain significance for Anophthalmia/microphthalmia-esophageal atresia syndrome. Last evaluated: 2024-05-01. Review status: criteria provided, single submitter. Criteria: Invitae Variant Classification Sherloc (09022015). Collection method: clinical testing. Allele origin: germline.
Comment: This sequence change affects codon 283 of the SOX2 mRNA. It is a 'silent' change, meaning that it does not change the encoded amino acid sequence of the SOX2 protein. This variant is not present in population databases (gnomAD no frequency). This variant has not been reported in the literature in individuals affected with SOX2-related conditions. In summary, the available evidence is currently insufficient to determine the role of this variant in disease. Therefore, it has been classified as a Variant of Uncertain Significance.